The following is an entry in ClinVar:

NM_001145358.2(SIN3A):c.712C>G (p.Pro238Ala)

Gene: SIN3A (SIN3 transcription regulator family member A; minus strand). Cytogenetic location: 15q24.2.
Variant type: single nucleotide variant.
Coding change: c.712C>G on transcript NM_001145358.2 (MANE Select); coding-DNA position 712, C replaced by G.
Protein change: p.Pro238Ala; replaces proline 238 with alanine.
Molecular consequence: missense variant.
Genome position (GRCh38, 1-based): chr15:75,412,807, G>C on the plus strand (C>G on the coding strand, the complement: SIN3A is on the minus strand). VCF-style: chr15-75412807-G-C. GRCh37 (hg19) VCF-style: chr15-75705148-G-C.
Other names: c.712C>G, p.Pro238Ala (NM_001145357.2, NM_015477.3); short protein forms P238A.
Identifiers: ClinVar variation 1962786 (VCV001962786.5), dbSNP rs1377536014, ClinGen allele CA393449962.

ClinVar aggregate classification (germline): Uncertain significance (1 of 4 stars; one submission).

Allele frequency attached by ClinVar (database versions not stated): gnomAD exomes below 0.00001; gnomAD 0.00001; TOPMed 0.00001.
gnomAD v4.1: 2 of 1,606,104 alleles (0.00012%); highest among the groups gnomAD compares: African/African-American, 0.0027%; no homozygotes.

Submission:

Labcorp Genetics (formerly Invitae), Labcorp
Classification: Uncertain significance. Last evaluated: 2022-08-31. Review status: criteria provided, single submitter. Criteria: Invitae Variant Classification Sherloc (09022015). Collection method: clinical testing. Allele origin: germline.
Comment: In summary, the available evidence is currently insufficient to determine the role of this variant in disease. Therefore, it has been classified as a Variant of Uncertain Significance. Algorithms developed to predict the effect of missense changes on protein structure and function (SIFT, PolyPhen-2, Align-GVGD) all suggest that this variant is likely to be tolerated. This variant has not been reported in the literature in individuals affected with SIN3A-related conditions. This variant is not present in population databases (gnomAD no frequency). This sequence change replaces proline, which is neutral and non-polar, with alanine, which is neutral and non-polar, at codon 238 of the SIN3A protein (p.Pro238Ala).